The following is an entry in ClinVar:

NM_015272.5(RPGRIP1L):c.389A>G (p.Lys130Arg)

Gene: RPGRIP1L (RPGRIP1 like; minus strand). Cytogenetic location: 16q12.2.
Variant type: single nucleotide variant.
Coding change: c.389A>G on transcript NM_015272.5 (MANE Select); coding-DNA position 389, A replaced by G.
Protein change: p.Lys130Arg; replaces lysine 130 with arginine.
Molecular consequence: missense variant.
Genome position (GRCh38, 1-based): chr16:53,692,206, T>C on the plus strand (A>G on the coding strand, the complement: RPGRIP1L is on the minus strand). VCF-style: chr16-53692206-T-C. GRCh37 (hg19) VCF-style: chr16-53726118-T-C.
Other names: c.389A>G, p.Lys130Arg (NM_001127897.4, NM_001308334.3, NM_001330538.2); short protein forms K130R.
Identifiers: ClinVar variation 1440628 (VCV001440628.9), dbSNP rs765642149, ClinGen allele CA8058126.

ClinVar aggregate classification (germline): Conflicting classifications of pathogenicity. Review status: criteria provided, conflicting classifications (1 of 4 stars). 2 submissions from 2 submitters: Uncertain significance (1); Likely benign (1). Last evaluated 2024-09-19.

Conditions:
Meckel-Gruber syndrome. Also called: DYSENCEPHALIA SPLANCHNOCYSTICA; GRUBER SYNDROME; Dysencephalia splachnocystica. Identifiers: Orphanet 564, MedGen C0265215, MONDO:0018921.
Joubert syndrome. Also called: Familial aplasia of the vermis; JOUBERT-BOLTSHAUSER SYNDROME. Identifiers: Orphanet 475, MedGen C5979921, MONDO:0018772.

Allele frequency attached by ClinVar (database versions not stated): TOPMed 0.00001; ExAC 0.00006; gnomAD 0.00007 and 0.00008.
gnomAD v4.1: 31 of 1,614,060 alleles (0.0019%); highest among the groups gnomAD compares: Non-Finnish European, 0.00025%; no homozygotes.

Submissions (2):

Blueprint Genetics
Classification: Likely benign. Last evaluated: 2024-09-19. Review status: criteria provided, single submitter. Criteria: ACMG Guidelines, 2015. Collection method: clinical testing. Allele origin: germline.

Labcorp Genetics (formerly Invitae), Labcorp
Classification: Uncertain significance for Joubert syndrome; Meckel-Gruber syndrome. Last evaluated: 2022-06-13. Review status: criteria provided, single submitter. Criteria: Invitae Variant Classification Sherloc (09022015). Collection method: clinical testing. Allele origin: germline.
Comment: In summary, the available evidence is currently insufficient to determine the role of this variant in disease. Therefore, it has been classified as a Variant of Uncertain Significance. Algorithms developed to predict the effect of missense changes on protein structure and function output the following: SIFT: "Tolerated"; PolyPhen-2: "Benign"; Align-GVGD: "Class C0". The arginine amino acid residue is found in multiple mammalian species, which suggests that this missense change does not adversely affect protein function. This variant has not been reported in the literature in individuals affected with RPGRIP1L-related conditions. This variant is present in population databases (rs765642149, gnomAD 0.05%). This sequence change replaces lysine, which is basic and polar, with arginine, which is basic and polar, at codon 130 of the RPGRIP1L protein (p.Lys130Arg).